The following is an entry in ClinVar:

ClinVar aggregate classification (germline): Uncertain significance (1 of 4 stars; one submission).

Submission:

Labcorp Genetics (formerly Invitae), Labcorp
Classification: Uncertain significance. Last evaluated: 2022-11-06. Review status: criteria provided, single submitter. Criteria: Invitae Variant Classification Sherloc (09022015). Collection method: clinical testing. Allele origin: unknown.
Comment: In summary, the available evidence is currently insufficient to determine the role of this variant in disease. Therefore, it has been classified as a Variant of Uncertain Significance. This variant has not been reported in the literature in individuals affected with TAF1-related conditions. This variant results in a copy number gain of the genomic region encompassing exon(s) 1-3 of the TAF1 gene. This region includes the initiator codon of the gene. This copy number gain extends beyond the assayed region for this gene and therefore may encompass additional genes. As the precise location of this event is unknown, it may be in tandem or it may be located elsewhere in the genome.

NC_000023.10:g.(?_70586165)_(70588040_?)dup

Gene: TAF1 (TATA-box binding protein associated factor 1; plus strand). Cytogenetic location: Xq13.1.
Variant type: Duplication.
Identifiers: ClinVar variation 3246629 (VCV003246629.1).